The following is an entry in ClinVar:

NM_000059.4(BRCA2):c.8754+3G>C

Gene: BRCA2 (BRCA2 DNA repair associated; plus strand). Cytogenetic location: 13q13.1.
Variant type: single nucleotide variant.
Coding change: c.8754+3G>C on transcript NM_000059.4 (MANE Select); 3 bases into the intron after coding-DNA position 8754, G replaced by C.
Molecular consequence: intron variant.
Genome position (GRCh38, 1-based): chr13:32,376,794, G>C. VCF-style: chr13-32376794-G-C. GRCh37 (hg19) VCF-style: chr13-32950931-G-C.
Identifiers: ClinVar variation 52668 (VCV000052668.34), dbSNP rs397508007, ClinGen allele CA025805.

ClinVar aggregate classification (germline): Pathogenic/Likely pathogenic. Review status: criteria provided, multiple submitters, no conflicts (2 of 4 stars). 13 submissions from 13 submitters: Pathogenic (6); Likely pathogenic (4). 3 of the submissions do not count toward it. Last evaluated 2026-01-13.

Conditions:
Hereditary breast ovarian cancer syndrome. Also called: Hereditary breast and ovarian cancer syndrome; Hereditary breast and ovarian cancer; Hereditary breast and ovarian cancer syndrome (HBOC); Breast and ovarian cancer; Hereditary breast and/or ovarian cancer syndrome; BRCA1- and BRCA2-Associated Hereditary Breast and Ovarian Cancer. Identifiers: Orphanet 145, MedGen C0677776, MeSH D061325, MONDO:0003582. Disease mechanism: loss of function.
Hereditary cancer-predisposing syndrome. Also called: Neoplastic Syndromes, Hereditary; Tumor predisposition; Hereditary neoplastic syndrome; Hereditary Cancer Syndrome. Identifiers: Orphanet 140162, MedGen C0027672, MeSH D009386, MONDO:0015356.
Breast-ovarian cancer, familial, susceptibility to, 2 (BROVCA2). Also called: BRCA2 Hereditary Breast and Ovarian Cancer. Identifiers: Orphanet 145, MedGen C2675520, MONDO:0012933, OMIM 612555. Disease mechanism: loss of function.

Submissions (13):

Labcorp Genetics (formerly Invitae), Labcorp
Classification: Pathogenic for Hereditary breast ovarian cancer syndrome. Last evaluated: 2026-01-13. Review status: criteria provided, single submitter. Criteria: Invitae Variant Classification Sherloc (09022015). Collection method: clinical testing. Allele origin: germline.
Comment: This sequence change falls in intron 21 of the BRCA2 gene. It does not directly change the encoded amino acid sequence of the BRCA2 protein. RNA analysis indicates that this variant induces altered splicing and may result in an absent or altered protein product. This variant is not present in population databases (gnomAD no frequency). This variant has been observed in individual(s) with hereditary breast and ovarian cancer (PMID: 21520333, 21638052, 21769658, 23451180). ClinVar contains an entry for this variant (Variation ID: 52668). Variants that disrupt the consensus splice site are a relatively common cause of aberrant splicing (PMID: 17576681, 9536098). Studies have shown that this variant results in retention of 46 nucleotides of intron 21, and produces a non-functional protein and/or introduces a premature termination codon (PMID: 21638052, 21769658, 23451180). For these reasons, this variant has been classified as Pathogenic.

German Consortium for Hereditary Breast and Ovarian Cancer, University Hospital Cologne
Classification: Likely pathogenic for Hereditary breast ovarian cancer syndrome. Last evaluated: 2025-10-14. Review status: criteria provided, single submitter. Criteria: ClinGen BRCA2 V1.1.0. Collection method: curation. Allele origin: germline.
Comment: This classification follows the ClinGen ENIGMA BRCA2 v1.1.0 classification scheme; We chose these criteria: PVS1 (very strong pathogenic): PVS1(RNA): Monoallelic expression full length transcript per allele specific PCR in patient LCLs + puromycin; PMID: 21638052, 23451180, PM2 (supporting pathogenic): abesent from gnomAD v2/3/4, BP5 (supporting benign): Combined LR: 0.3 (PMID: 31131967, 31853058)

Center for Genomic Medicine, Rigshospitalet, Copenhagen University Hospital
Classification: Likely pathogenic. Last evaluated: 2025-03-04. Review status: criteria provided, single submitter. Criteria: ACMG Guidelines, 2015. Collection method: clinical testing. Allele origin: germline.

Department of Clinical Genetics, Copenhagen University Hospital, Rigshospitalet
Classification: Pathogenic for Breast-ovarian cancer, familial, susceptibility to, 2. Last evaluated: 2024-05-27. Review status: criteria provided, single submitter. Criteria: ACMG Guidelines, 2015. Collection method: clinical testing. Allele origin: germline. Affected: yes.
Comment: PVS1 (RNA); PM2_Supporting

Ambry Genetics
Classification: Likely pathogenic for Hereditary cancer-predisposing syndrome. Last evaluated: 2024-05-08. Review status: criteria provided, single submitter. Criteria: Ambry Variant Classification Scheme 2023. Collection method: clinical testing. Allele origin: germline.
Comment: The c.8754+3G>C intronic variant results from a G to C substitution 3 nucleotides after coding exon 20 in the BRCA2 gene. This alteration has been reported in two individuals with a personal and/or family history suggestive of hereditary breast and ovarian cancer syndrome (HBOC). In vitro RNA studies revealed that this alteration leads to monoallelic expression of a transcript retaining a part of intron 21 that is predicted to lead to a premature stop codon (Brand&atilde;o RD et al. Breast Cancer Res. Treat. 2011 Oct;129(3):971-8; Thomassen M et al. Breast Cancer Res. Treat. 2012 Apr;132(3):1009-23; Colombo M et al. PLoS One, 2013 Feb;8:e57173; Ambry internal data). In silico splice site analysis predicts that this alteration will weaken the native splice donor site and will result in the creation or strengthening of a novel splice donor site. Of note, this alteration is also designated as 8982+3G>C and IVS21+3G>C in published literature. This variant is considered to be rare based on population cohorts in the Genome Aggregation Database (gnomAD). Based on the majority of available evidence to date, this variant is likely to be pathogenic.

Color Diagnostics, LLC DBA Color Health
Classification: Pathogenic for Hereditary cancer-predisposing syndrome. Last evaluated: 2021-01-19. Review status: criteria provided, single submitter. Criteria: ACMG Guidelines, 2015. Collection method: clinical testing. Allele origin: germline.
Comment: This variant causes a G to C nucleotide substitution at the +3 position of intron 21 of the BRCA2 gene. Functional RNA studies have shown that this variant causes use of a cryptic splice site 46 basepairs downstream, and introduces a premature stop (PMID: 21769658, 23451180). To our knowledge, functional studies have not been reported for this variant. This variant has been reported in families affected with breast/ovarian cancer (PMID: 21638052, 25103822, 26833046, 27062684). This variant has not been identified in the general population by the Genome Aggregation Database (gnomAD). Loss of BRCA2 function is a known mechanism of disease. Based on the available evidence, this variant is classified as Pathogenic.

GeneDx
Classification: Likely pathogenic. Last evaluated: 2018-11-19. Review status: criteria provided, single submitter. Criteria: GeneDx Variant Classification (06012015). Collection method: clinical testing. Allele origin: germline. Affected: yes.
Comment: This variant is denoted BRCA2 c.8754+3G>C or IVS21+3G>C and consists of a G>C nucleotide substitution at the +3 position of intron 21 of the BRCA2 gene. Using alternate nomenclature, this variant would be defined as BRCA2 8982+3G>C. This variant has been observed in at least two families with breast and/or ovarian cancer (Brandao 2011, Thomassen 2012). BRCA2 c.8754+3G>C was not observed in large population cohorts (Lek 2016, The 1000 Genomes Consortium 2015, NHLBI Exome Sequencing Project). The guanine (G) nucleotide that is altered is conserved in mammals. Multiple in silico models predict this variant to weaken the nearby natural donor site and to cause abnormal gene splicing. Multiple functional studies, including minigene splicing assays and RT-PCR mRNA analyses, have demonstrated that this variant induces retention of 46 nucleotides within the transcript, resulting in a predicted frameshift and truncated protein (Brandao 2011, Thomassen 2012, Colombo 2013). Based on the currently available information, we consider BRCA2 c.8754+3G>C to be a likely pathogenic variant.

Consortium of Investigators of Modifiers of BRCA1/2 (CIMBA), c/o University of Cambridge
Classification: Pathogenic for Breast-ovarian cancer, familial, susceptibility to, 2. Last evaluated: 2015-10-02. Review status: criteria provided, single submitter. Criteria: CIMBA Mutation Classification guidelines May 2016. Collection method: clinical testing. Allele origin: germline.

Clinical Genetics DNA and cytogenetics Diagnostics Lab, Erasmus MC, Erasmus Medical Center
Classification: Pathogenic for Breast-ovarian cancer, familial, susceptibility to, 2. Last evaluated: 2015-09-21. Review status: criteria provided, single submitter. Criteria: ACGS Guidelines, 2013. Collection method: clinical testing. Allele origin: germline. Affected: yes. Study: VKGL Data-share Consensus.

Genome Diagnostics Laboratory, University Medical Center Utrecht
Classification: Pathogenic for Breast-ovarian cancer, familial, susceptibility to, 2. Last evaluated: 2014-10-08. Review status: criteria provided, single submitter. Criteria: ACGS Guidelines, 2013. Collection method: clinical testing. Allele origin: germline. Affected: yes. Study: VKGL Data-share Consensus.

Clinical Genetics Laboratory, Department of Pathology, Netherlands Cancer Institute
Classification: Pathogenic. Review status: no assertion criteria provided. Collection method: clinical testing. Allele origin: germline. Affected: yes. Study: VKGL Data-share Consensus. Not counted in ClinVar's aggregate classification.

Diagnostic Laboratory, Department of Genetics, University Medical Center Groningen
Classification: Pathogenic for Breast-ovarian cancer, familial, susceptibility to, 2. Review status: no assertion criteria provided. Collection method: clinical testing. Allele origin: germline. Affected: yes. Study: VKGL Data-share Consensus. Not counted in ClinVar's aggregate classification.

Joint Genome Diagnostic Labs from Nijmegen and Maastricht, Radboudumc and MUMC+
Classification: Pathogenic. Review status: no assertion criteria provided. Collection method: clinical testing. Allele origin: germline. Affected: yes. Study: VKGL Data-share Consensus. Not counted in ClinVar's aggregate classification.

Literature cited by the submitters: PubMed 21520333 (cited by Labcorp Genetics (formerly Invitae), Labcorp); PubMed 21638052 (cited by Labcorp Genetics (formerly Invitae), Labcorp and Center for Genomic Medicine, Rigshospitalet, Copenhagen University Hospital); PubMed 21769658 (cited by Labcorp Genetics (formerly Invitae), Labcorp and Center for Genomic Medicine, Rigshospitalet, Copenhagen University Hospital); PubMed 23451180 (cited by 3 submitters); PubMed 17576681 (cited by Labcorp Genetics (formerly Invitae), Labcorp); PubMed 9536098 (cited by Labcorp Genetics (formerly Invitae), Labcorp).